The following is an entry in ClinVar:

NM_012469.4(PRPF6):c.754G>A (p.Asp252Asn)

Gene: PRPF6 (pre-mRNA processing factor 6; plus strand). Cytogenetic location: 20q13.33.
Variant type: single nucleotide variant.
Coding change: c.754G>A on transcript NM_012469.4 (MANE Select); coding-DNA position 754, G replaced by A.
Protein change: p.Asp252Asn; replaces aspartic acid 252 with asparagine.
Molecular consequence: missense variant.
Genome position (GRCh38, 1-based): chr20:63,995,465, G>A. VCF-style: chr20-63995465-G-A. GRCh37 (hg19) VCF-style: chr20-62626818-G-A.
Other names: c.754G>A (NM_012469.3); short protein forms D252N.
Identifiers: ClinVar variation 1947384 (VCV001947384.6), dbSNP rs780167715, ClinGen allele CA9971975.
Genomic context (GRCh38, chr20:63,995,465, plus strand): 5'-ACACCTGGCACAGGTGAGCTGGACATGAGGAAGATTGGCCAAGCGAGGAACACTCTGATG[G>A]ACATGAGGCTGAGCCAGGTGAGTTTGTCACACAGCATTTTCCTGTGGACAGGTTTAGACA-3'
Protein context (NP_036601.2, residues 242-262): KIGQARNTLM[Asp252Asn]MRLSQVSDSV

ClinVar aggregate classification (germline): Uncertain significance. Review status: criteria provided, multiple submitters, no conflicts (2 of 4 stars). 2 submissions from 2 submitters: Uncertain significance (2). Last evaluated 2025-08-28.

Allele frequency attached by ClinVar (database versions not stated): gnomAD exomes below 0.00001; TOPMed below 0.00001; ExAC 0.00001.
gnomAD v4.1: 3 of 1,614,120 alleles (0.00019%); highest among the groups gnomAD compares: East Asian, 0.0045%; no homozygotes.

Submissions (2):

Ambry Genetics
Classification: Uncertain significance. Last evaluated: 2025-08-28. Review status: criteria provided, single submitter. Criteria: Ambry Variant Classification Scheme 2023. Collection method: clinical testing. Allele origin: germline.

Labcorp Genetics (formerly Invitae), Labcorp
Classification: Uncertain significance. Last evaluated: 2024-02-10. Review status: criteria provided, single submitter. Criteria: Invitae Variant Classification Sherloc (09022015). Collection method: clinical testing. Allele origin: germline.
Comment: This sequence change replaces aspartic acid, which is acidic and polar, with asparagine, which is neutral and polar, at codon 252 of the PRPF6 protein (p.Asp252Asn). This variant is present in population databases (rs780167715, gnomAD 0.01%). This variant has not been reported in the literature in individuals affected with PRPF6-related conditions. ClinVar contains an entry for this variant (Variation ID: 1947384). Advanced modeling of protein sequence and biophysical properties (such as structural, functional, and spatial information, amino acid conservation, physicochemical variation, residue mobility, and thermodynamic stability) performed at Invitae indicates that this missense variant is not expected to disrupt PRPF6 protein function with a negative predictive value of 80%. In summary, the available evidence is currently insufficient to determine the role of this variant in disease. Therefore, it has been classified as a Variant of Uncertain Significance.